The following is an entry in ClinVar:

ClinVar aggregate classification (germline): Uncertain significance (1 of 4 stars; one submission).

Submission:

Labcorp Genetics (formerly Invitae), Labcorp
Classification: Uncertain significance. Last evaluated: 2023-10-13. Review status: criteria provided, single submitter. Criteria: Invitae Variant Classification Sherloc (09022015). Collection method: clinical testing. Allele origin: germline.
Comment: This sequence change replaces isoleucine, which is neutral and non-polar, with threonine, which is neutral and polar, at codon 686 of the POLE protein (p.Ile686Thr). This variant is not present in population databases (gnomAD no frequency). This variant has not been reported in the literature in individuals affected with POLE-related conditions. ClinVar contains an entry for this variant (Variation ID: 1937643). Advanced modeling of protein sequence and biophysical properties (such as structural, functional, and spatial information, amino acid conservation, physicochemical variation, residue mobility, and thermodynamic stability) performed at Invitae indicates that this missense variant is not expected to disrupt POLE protein function. In summary, the available evidence is currently insufficient to determine the role of this variant in disease. Therefore, it has been classified as a Variant of Uncertain Significance.

NM_006231.4(POLE):c.2057T>C (p.Ile686Thr)

Gene: POLE (DNA polymerase epsilon, catalytic subunit; minus strand). Cytogenetic location: 12q24.33.
Variant type: single nucleotide variant.
Coding change: c.2057T>C on transcript NM_006231.4 (MANE Select); coding-DNA position 2057, T replaced by C.
Protein change: p.Ile686Thr; replaces isoleucine 686 with threonine.
Molecular consequence: missense variant.
Genome position (GRCh38, 1-based): chr12:132,668,472, A>G on the plus strand (T>C on the coding strand, the complement: POLE is on the minus strand). VCF-style: chr12-132668472-A-G. GRCh37 (hg19) VCF-style: chr12-133245058-A-G.
Other names: short protein forms I686T.
Identifiers: ClinVar variation 1937643 (VCV001937643.5), dbSNP rs2135976000, ClinGen allele CA387354311.